The following is an entry in ClinVar:

ClinVar aggregate classification (germline): Uncertain significance (1 of 4 stars; one submission).

Allele frequency attached by ClinVar (database versions not stated): gnomAD exomes below 0.00001.
gnomAD v4.1: 6 of 1,607,108 alleles (0.00037%); highest among the groups gnomAD compares: Non-Finnish European, 0.00051%; no homozygotes.

Submission:

Labcorp Genetics (formerly Invitae), Labcorp
Classification: Uncertain significance. Last evaluated: 2025-05-18. Review status: criteria provided, single submitter. Criteria: Invitae Variant Classification Sherloc (09022015). Collection method: clinical testing. Allele origin: germline.
Comment: This sequence change falls in intron 10 of the ATR gene. It does not directly change the encoded amino acid sequence of the ATR protein. It affects a nucleotide within the consensus splice site. This variant is not present in population databases (gnomAD no frequency). This variant has not been reported in the literature in individuals affected with ATR-related conditions. ClinVar contains an entry for this variant (Variation ID: 2711669). Variants that disrupt the consensus splice site are a relatively common cause of aberrant splicing (PMID: 17576681, 9536098). Algorithms developed to predict the effect of sequence changes on RNA splicing suggest that this variant may disrupt the consensus splice site. In summary, the available evidence is currently insufficient to determine the role of this variant in disease. Therefore, it has been classified as a Variant of Uncertain Significance.

Literature cited by the submitters: PubMed 17576681; PubMed 9536098.

NM_001184.4(ATR):c.2341+5G>A

Gene: ATR (ATR checkpoint kinase; minus strand). Cytogenetic location: 3q23.
Variant type: single nucleotide variant.
Coding change: c.2341+5G>A on transcript NM_001184.4 (MANE Select); 5 bases into the intron after coding-DNA position 2341, G replaced by A.
Molecular consequence: intron variant.
Genome position (GRCh38, 1-based): chr3:142,555,872, C>T on the plus strand (G>A on the coding strand, the complement: ATR is on the minus strand). VCF-style: chr3-142555872-C-T. GRCh37 (hg19) VCF-style: chr3-142274714-C-T.
Other names: c.2149+5G>A (NM_001354579.2).
Identifiers: ClinVar variation 2711669 (VCV002711669.3), dbSNP rs2108470183, ClinGen allele CA2668019356.
Genomic context (GRCh38, chr3:142,555,872, plus strand): 5'-TTTACTGATTTGAAAAGCAGAGCTTAAATAGGTTTTAAAGTATTAAATAAGTCATAATCA[C>T]TCACCAAGTTTTACTGGACTAGGTATTTTTTTTTTCAGTAGGAAAAGGAATGGCTTGCAG-3'